The following is an entry in ClinVar:

NM_000179.3(MSH6):c.1466C>T (p.Pro489Leu)

Gene: MSH6 (mutS homolog 6; plus strand). Cytogenetic location: 2p16.3.
Variant type: single nucleotide variant.
Coding change: c.1466C>T on transcript NM_000179.3 (MANE Select); coding-DNA position 1466, C replaced by T.
Protein change: p.Pro489Leu; replaces proline 489 with leucine.
Molecular consequence: missense variant.
Genome position (GRCh38, 1-based): chr2:47,799,449, C>T. VCF-style: chr2-47799449-C-T. GRCh37 (hg19) VCF-style: chr2-48026588-C-T.
Other names: c.1076C>T, p.Pro359Leu (NM_001281492.2); c.560C>T, p.Pro187Leu (NM_001281493.2, NM_001281494.2); short protein forms P489L, P359L, P187L.
Identifiers: ClinVar variation 942860 (VCV000942860.9), dbSNP rs1669334912, ClinGen allele CA346745853.

ClinVar aggregate classification (germline): Uncertain significance. Review status: criteria provided, multiple submitters, no conflicts (2 of 4 stars). 2 submissions from 2 submitters: Uncertain significance (2). Last evaluated 2022-11-30.

Conditions:
Hereditary nonpolyposis colorectal neoplasms. Identifiers: MedGen C0009405, MeSH D003123.
Hereditary cancer-predisposing syndrome. Also called: Neoplastic Syndromes, Hereditary; Hereditary Cancer Syndrome; Tumor predisposition; Hereditary neoplastic syndrome. Identifiers: Orphanet 140162, MedGen C0027672, MeSH D009386, MONDO:0015356.

Submissions (2):

Ambry Genetics
Classification: Uncertain significance for Hereditary cancer-predisposing syndrome. Last evaluated: 2022-11-30. Review status: criteria provided, single submitter. Criteria: Ambry Variant Classification Scheme 2023. Collection method: clinical testing. Allele origin: germline.
Comment: The p.P489L variant (also known as c.1466C>T), located in coding exon 4 of the MSH6 gene, results from a C to T substitution at nucleotide position 1466. The proline at codon 489 is replaced by leucine, an amino acid with similar properties. This amino acid position is highly conserved in available vertebrate species. In addition, this alteration is predicted to be deleterious by in silico analysis. Since supporting evidence is limited at this time, the clinical significance of this alteration remains unclear.

Labcorp Genetics (formerly Invitae), Labcorp
Classification: Uncertain significance for Hereditary nonpolyposis colorectal neoplasms. Last evaluated: 2021-08-26. Review status: criteria provided, single submitter. Criteria: Invitae Variant Classification Sherloc (09022015). Collection method: clinical testing. Allele origin: germline.
Comment: This sequence change replaces proline with leucine at codon 489 of the MSH6 protein (p.Pro489Leu). The proline residue is highly conserved and there is a moderate physicochemical difference between proline and leucine. This variant is not present in population databases (ExAC no frequency). This variant has not been reported in the literature in individuals affected with MSH6-related conditions. Algorithms developed to predict the effect of missense changes on protein structure and function are either unavailable or do not agree on the potential impact of this missense change (SIFT: "Deleterious"; PolyPhen-2: "Probably Damaging"; Align-GVGD: "Class C0"). In summary, the available evidence is currently insufficient to determine the role of this variant in disease. Therefore, it has been classified as a Variant of Uncertain Significance.